The following is an entry in ClinVar:

NM_000535.7(PMS2):c.1454_1455del (p.Thr485fs)

Gene: PMS2 (PMS1 homolog 2, mismatch repair system component; minus strand). Cytogenetic location: 7p22.1.
Variant type: Deletion.
Coding change: c.1454_1455del on transcript NM_000535.7 (MANE Select); coding-DNA positions 1454 to 1455, 2 bases deleted (CG; older notation c.1454_1455delCG).
Protein change: p.Thr485fs; shifts the reading frame from threonine 485.
Molecular consequence: frameshift variant. On other transcripts: non-coding transcript variant (1), intron variant (1).
Genome position (GRCh38, 1-based): chr7:5,987,310-5,987,311, CG deleted on the plus strand (CG on the coding strand, the reverse complement: PMS2 is on the minus strand). VCF-style (leftmost placement, unchanged base first): chr7-5987309-CCG-C. GRCh37 (hg19) VCF-style: chr7-6026940-CCG-C.
Other names: c.1298_1299del, p.Thr433fs (NM_001322006.2, NM_001406870.1); c.1136_1137del, p.Thr379fs (NM_001322008.2, NM_001322007.2, NM_001406876.1 and 2 more transcripts); c.1049_1050del, p.Thr350fs (NM_001322009.2, NM_001322003.2, NM_001322004.2 and 16 more transcripts); c.893_894del, p.Thr298fs (NM_001322010.2, NM_001406906.1, NM_001406907.1); c.521_522del, p.Thr174fs (NM_001322011.2, NM_001322012.2); c.881_882del, p.Thr294fs (NM_001322013.2, NM_001406909.1); c.1454_1455del, p.Thr485fs (NM_001322014.2, NM_001406871.1, NM_001406872.1); c.1145_1146del, p.Thr382fs (NM_001322015.2, NM_001406875.1, NM_001406877.1 and 5 more transcripts); and 13 more; short protein forms T228fs, T327fs, T379fs, T429fs, T449fs, T294fs, T382fs, T419fs.
Identifiers: ClinVar variation 3663258 (VCV003663258.3).

ClinVar aggregate classification (germline): Pathogenic. Review status: criteria provided, multiple submitters, no conflicts (2 of 4 stars). 2 submissions from 2 submitters: Pathogenic (2). Last evaluated 2025-11-06.

Conditions:
Hereditary cancer-predisposing syndrome. Also called: Hereditary Cancer Syndrome; Tumor predisposition; Hereditary neoplastic syndrome; Neoplastic Syndromes, Hereditary. Identifiers: Orphanet 140162, MedGen C0027672, MeSH D009386, MONDO:0015356.
Hereditary nonpolyposis colorectal neoplasms. Identifiers: MedGen C0009405, MeSH D003123.

Submissions (2):

Ambry Genetics
Classification: Pathogenic for Hereditary cancer-predisposing syndrome. Last evaluated: 2025-11-06. Review status: criteria provided, single submitter. Criteria: Ambry Variant Classification Scheme 2023. Collection method: clinical testing. Allele origin: germline.
Comment: The c.1454_1455delCG pathogenic mutation, located in coding exon 11 of the PMS2 gene, results from a deletion of two nucleotides at nucleotide positions 1454 to 1455, causing a translational frameshift with a predicted alternate stop codon (p.T485Rfs*19). This variant is considered to be rare based on population cohorts in the Genome Aggregation Database (gnomAD). This alteration is expected to result in loss of function by premature protein truncation or nonsense-mediated mRNA decay. As such, this alteration is interpreted as a disease-causing mutation.

Labcorp Genetics (formerly Invitae), Labcorp
Classification: Pathogenic for Hereditary nonpolyposis colorectal neoplasms. Last evaluated: 2024-08-22. Review status: criteria provided, single submitter. Criteria: Invitae Variant Classification Sherloc (09022015). Collection method: clinical testing. Allele origin: germline.
Comment: This sequence change creates a premature translational stop signal (p.Thr485Argfs*19) in the PMS2 gene. It is expected to result in an absent or disrupted protein product. Loss-of-function variants in PMS2 are known to be pathogenic (PMID: 21376568, 24362816). This variant is not present in population databases (gnomAD no frequency). This variant has not been reported in the literature in individuals affected with PMS2-related conditions. For these reasons, this variant has been classified as Pathogenic.

Literature cited by the submitters: PubMed 21376568 (cited by Labcorp Genetics (formerly Invitae), Labcorp); PubMed 24362816 (cited by Labcorp Genetics (formerly Invitae), Labcorp).